The following is an entry in ClinVar:

ClinVar aggregate classification (germline): Likely pathogenic. Review status: criteria provided, multiple submitters, no conflicts (2 of 4 stars). 2 submissions from 2 submitters: Likely pathogenic (2). Last evaluated 2019-06-01.

Conditions:
Lysosomal acid lipase deficiency. Also called: Acid cholesteryl ester hydrolase deficiency, type 2. Identifiers: Orphanet 275761, MedGen C5574740, MONDO:0800449, MONDO:0010204.

Allele frequency attached by ClinVar (database versions not stated): gnomAD exomes below 0.00001; gnomAD 0.00001.
gnomAD v4.1: 2 of 1,610,564 alleles (0.00012%); no homozygotes.

Submissions (2):

Alexion, Astrazeneca Rare Disease, Astrazeneca
Classification: Likely pathogenic for Lysosomal acid lipase deficiency. Last evaluated: 2019-06-01. Review status: criteria provided, single submitter. Criteria: ACMG Guidelines, 2015. Collection method: research. Allele origin: germline. Affected: yes.
Comment: ACMG PS3 criterion ascertained by in-vitro functional study, PMID:31180157

Suma Genomics
Classification: Likely pathogenic for Cholesteryl ester storage disease. Review status: criteria provided, single submitter. Criteria: ACMG Guidelines, 2015. Collection method: clinical testing. Allele origin: inherited. Inheritance: Autosomal recessive inheritance. Affected: yes.

Literature cited by the submitters: PubMed 31180157 (cited by Alexion, Astrazeneca Rare Disease, Astrazeneca); PubMed 24792990 (cited by Alexion, Astrazeneca Rare Disease, Astrazeneca).

NM_000235.4(LIPA):c.863C>T (p.Thr288Ile)

Gene: LIPA (lipase A, lysosomal acid type; minus strand). Cytogenetic location: 10q23.31.
Variant type: single nucleotide variant.
Coding change: c.863C>T on transcript NM_000235.4 (MANE Select); coding-DNA position 863, C replaced by T.
Protein change: p.Thr288Ile; replaces threonine 288 with isoleucine.
Molecular consequence: missense variant.
Genome position (GRCh38, 1-based): chr10:89,222,542, G>A on the plus strand (C>T on the coding strand, the complement: LIPA is on the minus strand). VCF-style: chr10-89222542-G-A. GRCh37 (hg19) VCF-style: chr10-90982299-G-A.
Other names: c.863C>T, p.Thr288Ile (NM_001127605.3); c.515C>T, p.Thr172Ile (NM_001288979.2); short protein forms T172I, T288I.
Identifiers: ClinVar variation 695049 (VCV000695049.3), dbSNP rs1306336545, ClinGen allele CA377516708.